The following is an entry in ClinVar:

ClinVar aggregate classification (germline): Conflicting classifications of pathogenicity. Review status: criteria provided, conflicting classifications (1 of 4 stars). 3 submissions from 3 submitters: Uncertain significance (2); Likely benign (1). Last evaluated 2026-07-10.

Conditions:
Colorectal cancer, hereditary nonpolyposis, type 7. Identifiers: Orphanet 144, MedGen C1858380, MONDO:0013725, OMIM 614385.
Colorectal cancer. Also called: Colorectal cancer, somatic; Malignant Colorectal Neoplasm. Identifiers: MedGen C0346629, MONDO:0005575, OMIM 114500.
Endometrial carcinoma. Also called: Endometrial carcinoma, somatic. Identifiers: MedGen C0476089, MONDO:0002447, OMIM 608089, HP:0012114.

Allele frequency attached by ClinVar (database versions not stated): ExAC 0.00002; TOPMed 0.00001.

Submissions (3):

Ambry Genetics
Classification: Likely benign. Last evaluated: 2026-07-10. Review status: criteria provided, single submitter. Criteria: Ambry Variant Classification Scheme 2023. Collection method: clinical testing. Allele origin: germline.

Labcorp Genetics (formerly Invitae), Labcorp
Classification: Uncertain significance for Colorectal cancer, hereditary nonpolyposis, type 7. Last evaluated: 2025-11-17. Review status: criteria provided, single submitter. Criteria: Invitae Variant Classification Sherloc (09022015). Collection method: clinical testing. Allele origin: germline.
Comment: This sequence change replaces proline, which is neutral and non-polar, with leucine, which is neutral and non-polar, at codon 448 of the MLH3 protein (p.Pro448Leu). This variant is present in population databases (rs773056264, gnomAD 0.03%). This variant has not been reported in the literature in individuals affected with MLH3-related conditions. ClinVar contains an entry for this variant (Variation ID: 1770407). An algorithm developed to predict the effect of missense changes on protein structure and function outputs the following: PolyPhen-2: "Benign". The leucine amino acid residue is found in multiple mammalian species, which suggests that this missense change does not adversely affect protein function. In summary, the available evidence is currently insufficient to determine the role of this variant in disease. Therefore, it has been classified as a Variant of Uncertain Significance.

Fulgent Genetics
Classification: Uncertain significance for Colorectal cancer; Endometrial carcinoma; Colorectal cancer, hereditary nonpolyposis, type 7. Last evaluated: 2024-05-07. Review status: criteria provided, single submitter. Criteria: ACMG Guidelines, 2015. Collection method: clinical testing. Allele origin: germline.

Literature cited by the submitters: PubMed 33821390 (cited by Ambry Genetics).

NM_001040108.2(MLH3):c.1343C>T (p.Pro448Leu)

Gene: MLH3 (mutL homolog 3; minus strand). Cytogenetic location: 14q24.3.
Variant type: single nucleotide variant.
Coding change: c.1343C>T on transcript NM_001040108.2 (MANE Select); coding-DNA position 1343, C replaced by T.
Protein change: p.Pro448Leu; replaces proline 448 with leucine.
Molecular consequence: missense variant.
Genome position (GRCh38, 1-based): chr14:75,048,313, G>A on the plus strand (C>T on the coding strand, the complement: MLH3 is on the minus strand). VCF-style: chr14-75048313-G-A. GRCh37 (hg19) VCF-style: chr14-75515016-G-A.
Other names: c.1343C>T, p.Pro448Leu (NM_014381.3); short protein forms P448L.
Identifiers: ClinVar variation 1770407 (VCV001770407.7), dbSNP rs773056264, ClinGen allele CA7275891.
Genomic context (GRCh38, chr14:75,048,313, plus strand): 5'-GATTCTGAGCAAGAGCTGTCTTTGTTTTGTAAAGATGGCTCTGTCATTTTGCTATGGCCT[G>A]GACCACCTGATTCATAAATGTACAAAAATGCATCATTTGTATTTTTTCTGGTAGCTTCTG-3'
Protein context (NP_001035197.1, residues 438-458): AFLYIYESGG[Pro448Leu]GHSKMTEPSL